The following is an entry in ClinVar:

NM_002291.3(LAMB1):c.1602C>A (p.His534Gln)

Gene: LAMB1 (laminin subunit beta 1; minus strand). Cytogenetic location: 7q31.1.
Variant type: single nucleotide variant.
Coding change: c.1602C>A on transcript NM_002291.3 (MANE Select); coding-DNA position 1602, C replaced by A.
Protein change: p.His534Gln; replaces histidine 534 with glutamine.
Molecular consequence: missense variant.
Genome position (GRCh38, 1-based): chr7:107,964,648, G>T on the plus strand (C>A on the coding strand, the complement: LAMB1 is on the minus strand). VCF-style: chr7-107964648-G-T. GRCh37 (hg19) VCF-style: chr7-107605093-G-T.
Other names: short protein forms H534Q.
Identifiers: ClinVar variation 3343716 (VCV003343716.1).

ClinVar aggregate classification (germline): Uncertain significance (1 of 4 stars; one submission).

gnomAD v4.1: 1 of 1,614,032 alleles (0.000062%); highest among the groups gnomAD compares: Admixed American, 0.0017%; no homozygotes.

Submission:

GeneDx
Classification: Uncertain significance. Last evaluated: 2023-05-24. Review status: criteria provided, single submitter. Criteria: GeneDx Variant Classification Process June 2021. Collection method: clinical testing. Allele origin: germline. Affected: yes.
Comment: Not observed at significant frequency in large population cohorts (gnomAD); In silico analysis supports that this missense variant has a deleterious effect on protein structure/function; Has not been previously published as pathogenic or benign to our knowledge; This variant is associated with the following publications: (PMID: 23472759)